The following is an entry in ClinVar:

NM_001040108.2(MLH3):c.3340G>C (p.Ala1114Pro)

Gene: MLH3 (mutL homolog 3; minus strand). Cytogenetic location: 14q24.3.
Variant type: single nucleotide variant.
Coding change: c.3340G>C on transcript NM_001040108.2 (MANE Select); coding-DNA position 3340, G replaced by C.
Protein change: p.Ala1114Pro; replaces alanine 1114 with proline.
Molecular consequence: missense variant.
Genome position (GRCh38, 1-based): chr14:75,042,418, C>G on the plus strand (G>C on the coding strand, the complement: MLH3 is on the minus strand). VCF-style: chr14-75042418-C-G. GRCh37 (hg19) VCF-style: chr14-75509121-C-G.
Other names: c.3340G>C, p.Ala1114Pro (NM_014381.3); short protein forms A1114P.
Identifiers: ClinVar variation 5024617 (VCV005024617.1).

ClinVar aggregate classification (germline): Uncertain significance (1 of 4 stars; one submission).

Submission:

Ambry Genetics
Classification: Uncertain significance. Last evaluated: 2026-08-04. Review status: criteria provided, single submitter. Criteria: Ambry Variant Classification Scheme 2023. Collection method: clinical testing. Allele origin: germline.
Comment: The p.A1114P variant (also known as c.3340G>C), located in coding exon 2 of the MLH3 gene, results from a G to C substitution at nucleotide position 3340. The alanine at codon 1114 is replaced by proline, an amino acid with highly similar properties. This amino acid position is conserved. In addition, this alteration is predicted to be tolerated by in silico analysis. Based on the available evidence, the clinical significance of this variant remains unclear.